The following is an entry in ClinVar:

NM_145054.5(CFAP52):c.1442C>G (p.Thr481Ser)

Gene: CFAP52 (cilia and flagella associated protein 52; plus strand). Cytogenetic location: 17p13.1.
Variant type: single nucleotide variant.
Coding change: c.1442C>G on transcript NM_145054.5 (MANE Select); coding-DNA position 1442, C replaced by G.
Protein change: p.Thr481Ser; replaces threonine 481 with serine.
Molecular consequence: missense variant.
Genome position (GRCh38, 1-based): chr17:9,635,526, C>G. VCF-style: chr17-9635526-C-G. GRCh37 (hg19) VCF-style: chr17-9538843-C-G.
Other names: c.1238C>G, p.Thr413Ser (NM_001080556.2); short protein forms T481S, T413S.
Identifiers: ClinVar variation 565466 (VCV000565466.1), dbSNP rs142289033, ClinGen allele CA398071324.
Genomic context (GRCh38, chr17:9,635,526, plus strand): 5'-AGTCATCAGTGTCCTGCATTAGGGTGAAGAGGAACAACGAGGAGTGTGTCACCGCCAGCA[C>G]CGATGGGACTTGTATCATTTGGGACCTTGTGTAGGTACCTGTGATGGGGAGGATGCAGTG-3'
Protein context (NP_659491.4, residues 471-491): RNNEECVTAS[Thr481Ser]DGTCIIWDLV

ClinVar aggregate classification (germline): Uncertain significance (1 of 4 stars; one submission).

Conditions:
Situs inversus. Also called: Situs inversus totalis. Identifiers: Orphanet 101063, MedGen C4551493, MONDO:0010029, HP:0001696.

Allele frequency attached by ClinVar (database versions not stated): gnomAD exomes below 0.00001.
gnomAD v4.1: 1 of 1,614,162 alleles (0.000062%); highest among the groups gnomAD compares: African/African-American, 0.0013%; no homozygotes.

Submission:

Labcorp Genetics (formerly Invitae), Labcorp
Classification: Uncertain significance for Situs inversus. Last evaluated: 2018-05-11. Review status: criteria provided, single submitter. Criteria: Invitae Variant Classification Sherloc (09022015). Collection method: clinical testing. Allele origin: germline.
Comment: This sequence change replaces threonine with serine at codon 481 of the CFAP52 protein (p.Thr481Ser). The threonine residue is moderately conserved and there is a small physicochemical difference between threonine and serine. This variant is not present in population databases (ExAC no frequency). This variant has not been reported in the literature in individuals with CFAP52-related disease. Algorithms developed to predict the effect of missense changes on protein structure and function output the following: SIFT: "Tolerated"; PolyPhen-2: "Benign"; Align-GVGD: "Class C0". The serine amino acid residue is found in multiple mammalian species, suggesting that this missense change does not adversely affect protein function. These predictions have not been confirmed by published functional studies and their clinical significance is uncertain. Algorithms developed to predict the effect of sequence changes on RNA splicing suggest that this variant may create or strengthen a splice site, but this prediction has not been confirmed by published transcriptional studies. In summary, the available evidence is currently insufficient to determine the role of this variant in disease. Therefore, it has been classified as a Variant of Uncertain Significance.